The following is an entry in ClinVar:

ClinVar aggregate classification (germline): Pathogenic/Likely pathogenic. Review status: criteria provided, multiple submitters, no conflicts (2 of 4 stars). 4 submissions from 4 submitters: Pathogenic (3); Likely pathogenic (1). Last evaluated 2026-01-12.

Conditions:
Hereditary cancer-predisposing syndrome. Also called: Tumor predisposition; Hereditary neoplastic syndrome; Neoplastic Syndromes, Hereditary; Hereditary Cancer Syndrome. Identifiers: Orphanet 140162, MedGen C0027672, MeSH D009386, MONDO:0015356.
Lynch syndrome 5 (LYNCH5). Also called: Colorectal cancer, hereditary nonpolyposis, type 5; Hereditary non-polyposis colorectal cancer, type 5. Identifiers: Orphanet 144, MedGen C1833477, MONDO:0013710, OMIM 614350. Disease mechanism: loss of function.
Hereditary nonpolyposis colorectal neoplasms. Identifiers: MedGen C0009405, MeSH D003123.

Submissions (4):

Labcorp Genetics (formerly Invitae), Labcorp
Classification: Pathogenic for Hereditary nonpolyposis colorectal neoplasms. Last evaluated: 2026-01-12. Review status: criteria provided, single submitter. Criteria: Invitae Variant Classification Sherloc (09022015). Collection method: clinical testing. Allele origin: germline.
Comment: This sequence change creates a premature translational stop signal (p.Glu1083*) in the MSH6 gene. It is expected to result in an absent or disrupted protein product. Loss-of-function variants in MSH6 are known to be pathogenic (PMID: 18269114, 24362816). This variant is not present in population databases (gnomAD no frequency). This variant has not been reported in the literature in individuals affected with MSH6-related conditions. ClinVar contains an entry for this variant (Variation ID: 1457976). For these reasons, this variant has been classified as Pathogenic.

Dasa
Classification: Likely pathogenic. Last evaluated: 2025-08-07. Review status: criteria provided, single submitter. Criteria: DASA Assertion Criteria. Collection method: clinical testing. Allele origin: germline.
Comment: NM_000179.3(MSH6):c.3247G>T (p.Glu1083*) is a nonsense variant in MSH6 predicted to introduce a premature termination codon and is predicted to result in an absent or altered protein product. Loss of function is an established disease mechanism for MSH6 (PMID: 9354786; PMID: 11709755; PMID: 14974087). Also, this variant is absent from population databases. Based on the currently available evidence, this variant is classified as likely pathogenic.

Ambry Genetics
Classification: Pathogenic for Hereditary cancer-predisposing syndrome. Last evaluated: 2025-03-20. Review status: criteria provided, single submitter. Criteria: Ambry Variant Classification Scheme 2023. Collection method: clinical testing. Allele origin: germline.
Comment: The p.E1083* pathogenic mutation (also known as c.3247G>T), located in coding exon 5 of the MSH6 gene, results from a G to T substitution at nucleotide position 3247. This changes the amino acid from a glutamic acid to a stop codon within coding exon 5. This alteration is expected to result in loss of function by premature protein truncation or nonsense-mediated mRNA decay. As such, this alteration is interpreted as a disease-causing mutation.

Myriad Genetics, Inc.
Classification: Pathogenic for Lynch syndrome 5. Last evaluated: 2023-08-22. Review status: criteria provided, single submitter. Criteria: Myriad Autosomal Dominant, Autosomal Recessive and X-Linked Classification Criteria (2023). Collection method: clinical testing. Allele origin: unknown.
Comment: This variant is considered pathogenic. This variant creates a termination codon and is predicted to result in premature protein truncation.

Literature cited by the submitters: PubMed 18269114 (cited by Labcorp Genetics (formerly Invitae), Labcorp); PubMed 24362816 (cited by Labcorp Genetics (formerly Invitae), Labcorp); PubMed 9354786 (cited by Dasa); PubMed 11709755 (cited by Dasa); PubMed 14974087 (cited by Dasa).

NM_000179.3(MSH6):c.3247G>T (p.Glu1083Ter)

Gene: MSH6 (mutS homolog 6; plus strand). Cytogenetic location: 2p16.3.
Variant type: single nucleotide variant.
Coding change: c.3247G>T on transcript NM_000179.3 (MANE Select); coding-DNA position 3247, G replaced by T.
Protein change: p.Glu1083Ter; replaces glutamic acid 1083 with a stop codon.
Molecular consequence: nonsense.
Genome position (GRCh38, 1-based): chr2:47,803,494, G>T. VCF-style: chr2-47803494-G-T. GRCh37 (hg19) VCF-style: chr2-48030633-G-T.
Other names: c.2857G>T, p.Glu953Ter (NM_001281492.2); c.2341G>T, p.Glu781Ter (NM_001281493.2, NM_001281494.2); short protein forms E781*, E953*, E1083*.
Identifiers: ClinVar variation 1457976 (VCV001457976.12), dbSNP rs763844573, ClinGen allele CA346758113.
Genomic context (GRCh38, chr2:47,803,494, plus strand): 5'-CTGGCTAACTATAGTCGAGGGGGTGATGGTCCTATGTGTCGCCCAGTAATTCTGTTGCCG[G>T]AAGATACCCCCCCCTTCTTAGAGCTTAAAGGATCACGCCATCCTTGCATTACGAAGACTT-3'